The following is an entry in ClinVar:

ClinVar aggregate classification (germline): Pathogenic. Review status: criteria provided, multiple submitters, no conflicts (2 of 4 stars). 2 submissions from 2 submitters: Pathogenic (2). Last evaluated 2018-02-02.

Conditions:
Developmental and epileptic encephalopathy, 9 (DEE9). Also called: EPILEPSY, FEMALE-RESTRICTED, WITH MENTAL RETARDATION; Early infantile epileptic encephalopathy 9; PCDH19-Related X-Linked Female-Limited Epilepsy with Mental Retardation; JUBERG-HELLMAN SYNDROME. Identifiers: Orphanet 101039, Orphanet 2076, MedGen C1848137, MONDO:0010246, OMIM 300088. Disease mechanism: loss of function.

Submissions (2):

GeneDx
Classification: Pathogenic. Last evaluated: 2018-02-02. Review status: criteria provided, single submitter. Criteria: GeneDx Variant Classification (06012015). Collection method: clinical testing. Allele origin: germline. Affected: yes.
Comment: The c.875_879dupACCCG variant in the PCDH19 gene has not been reported previously as a pathogenic variant nor as a benign variant, to our knowledge. The c.875_879dupACCCG variant causes a frameshift starting with codon Histidine 294, changes this amino acid to a Threonine residue, and creates a premature Stop codon at position 13 of the new reading frame, denoted p.His294ThrfsX13. This variant is predicted to cause loss of normal protein function either through protein truncation or nonsense-mediated mRNA decay. The c.875_879dupACCCG variant is not observed in large population cohorts (Lek et al., 2016). We interpret c.875_879dupACCCG as a pathogenic variant.

Labcorp Genetics (formerly Invitae), Labcorp
Classification: Pathogenic for Developmental and epileptic encephalopathy, 9. Last evaluated: 2018-01-28. Review status: criteria provided, single submitter. Criteria: Invitae Variant Classification Sherloc (09022015). Collection method: clinical testing. Allele origin: germline.
Comment: This variant has not been reported in the literature in individuals with PCDH19-related disease. For these reasons, this variant has been classified as Pathogenic. Loss-of-function variants in PCDH19 are known to be pathogenic (PMID: 21053371). This variant is not present in population databases (ExAC no frequency). This sequence change creates a premature translational stop signal (p.His294Thrfs*13) in the PCDH19 gene. It is expected to result in an absent or disrupted protein product.

Literature cited by the submitters: PubMed 21053371 (cited by Labcorp Genetics (formerly Invitae), Labcorp).

NM_001184880.2(PCDH19):c.875_879dup (p.His294fs)

Gene: PCDH19 (protocadherin 19; minus strand). Cytogenetic location: Xq22.1.
Variant type: Duplication.
Coding change: c.875_879dup on transcript NM_001184880.2 (MANE Select); coding-DNA positions 875 to 879, 5 bases duplicated (ACCCG; older notation c.875_879dupACCCG).
Protein change: p.His294fs; shifts the reading frame from histidine 294.
Molecular consequence: frameshift variant.
Genome position (GRCh38, 1-based): chrX:100,407,719-100,407,723, CGGGT duplicated on the plus strand (ACCCG on the coding strand, the reverse complement: PCDH19 is on the minus strand); duplicating any 5 consecutive bases within chrX:100,407,719-100,407,725 gives the same sequence; the c. name uses the placement nearest the transcript's 3' end. VCF-style (leftmost placement, unchanged base first): chrX-100407718-G-GCGGGT. GRCh37 (hg19) VCF-style: chrX-99662716-G-GCGGGT.
Other names: c.875_879dup, p.His294fs (NM_001105243.2, NM_020766.3); c.875_879dupACCCG (NM_001184880.1); short protein forms H294fs.
Identifiers: ClinVar variation 504290 (VCV000504290.8), dbSNP rs1555985416, ClinGen allele CA658799826.